The following is an entry in ClinVar:

ClinVar aggregate classification (germline): Likely pathogenic (1 of 4 stars; one submission).

Conditions:
Anophthalmia/microphthalmia-esophageal atresia syndrome (MCOPS3). Also called: SOX2 Disorder; MICROPHTHALMIA AND ESOPHAGEAL ATRESIA SYNDROME; AEG SYNDROME. Identifiers: Orphanet 77298, MedGen C1859773, MONDO:0008799, OMIM 206900.

Submission:

Labcorp Genetics (formerly Invitae), Labcorp
Classification: Likely pathogenic for Anophthalmia/microphthalmia-esophageal atresia syndrome. Last evaluated: 2020-11-20. Review status: criteria provided, single submitter. Criteria: Invitae Variant Classification Sherloc (09022015). Collection method: clinical testing. Allele origin: germline.
Comment: This variant has been observed in individual(s) with clinical features of microphthalmia (Invitae). In at least one individual the variant was observed to be de novo. This variant is not present in population databases (ExAC no frequency). This sequence change replaces arginine with proline at codon 96 of the SOX2 protein (p.Arg96Pro). The arginine residue is highly conserved and there is a moderate physicochemical difference between arginine and proline. Algorithms developed to predict the effect of missense changes on protein structure and function (SIFT, PolyPhen-2, Align-GVGD) all suggest that this variant is likely to be disruptive, but these predictions have not been confirmed by published functional studies and their clinical significance is uncertain. In summary, the currently available evidence indicates that the variant is pathogenic, but additional data are needed to prove that conclusively. Therefore, this variant has been classified as Likely Pathogenic.

NM_003106.4(SOX2):c.287G>C (p.Arg96Pro)

Genes: SOX2-OT (SOX2 overlapping transcript; plus strand), SOX2 (SRY-box transcription factor 2; plus strand), LOC108281177 (SOX2 5' regulatory region; plus strand). Cytogenetic location: 3q26.33.
Variant type: single nucleotide variant.
Coding change: c.287G>C on transcript NM_003106.4 (MANE Select); coding-DNA position 287, G replaced by C.
Protein change: p.Arg96Pro; replaces arginine 96 with proline.
Molecular consequence: missense variant.
Genome position (GRCh38, 1-based): chr3:181,712,647, G>C. VCF-style: chr3-181712647-G-C. GRCh37 (hg19) VCF-style: chr3-181430435-G-C.
Other names: short protein forms R96P.
Identifiers: ClinVar variation 1038715 (VCV001038715.9), dbSNP rs1714847764, ClinGen allele CA355473549.